The following is an entry in ClinVar:

NM_006431.3(CCT2):c.518C>T (p.Thr173Ile)

Gene: CCT2 (chaperonin containing TCP1 subunit 2; plus strand). Cytogenetic location: 12q15.
Variant type: single nucleotide variant.
Coding change: c.518C>T on transcript NM_006431.3 (MANE Select); coding-DNA position 518, C replaced by T.
Protein change: p.Thr173Ile; replaces threonine 173 with isoleucine.
Molecular consequence: missense variant.
Genome position (GRCh38, 1-based): chr12:69,589,556, C>T. VCF-style: chr12-69589556-C-T. GRCh37 (hg19) VCF-style: chr12-69983336-C-T.
Other names: c.377C>T, p.Thr126Ile (NM_001198842.2); short protein forms T126I, T173I.
Identifiers: ClinVar variation 1429375 (VCV001429375.8), dbSNP rs1480068369, ClinGen allele CA385726547.

ClinVar aggregate classification (germline): Uncertain significance (1 of 4 stars; one submission).

Submission:

Labcorp Genetics (formerly Invitae), Labcorp
Classification: Uncertain significance. Last evaluated: 2024-06-17. Review status: criteria provided, single submitter. Criteria: Invitae Variant Classification Sherloc (09022015). Collection method: clinical testing. Allele origin: germline.
Comment: This sequence change replaces threonine, which is neutral and polar, with isoleucine, which is neutral and non-polar, at codon 173 of the CCT2 protein (p.Thr173Ile). This variant is not present in population databases (gnomAD no frequency). This variant has not been reported in the literature in individuals affected with CCT2-related conditions. ClinVar contains an entry for this variant (Variation ID: 1429375). An algorithm developed to predict the effect of missense changes on protein structure and function (PolyPhen-2) suggests that this variant is likely to be tolerated. In summary, the available evidence is currently insufficient to determine the role of this variant in disease. Therefore, it has been classified as a Variant of Uncertain Significance.